The following is an entry in ClinVar:

NM_017617.5(NOTCH1):c.2148G>A (p.Glu716=)

Gene: NOTCH1 (notch receptor 1; minus strand). Cytogenetic location: 9q34.3.
Variant type: single nucleotide variant.
Coding change: c.2148G>A on transcript NM_017617.5 (MANE Select); coding-DNA position 2148, G replaced by A.
Protein change: p.Glu716=; no amino-acid change (glutamic acid 716 retained).
Molecular consequence: synonymous variant.
Genome position (GRCh38, 1-based): chr9:136,514,569, C>T on the plus strand (G>A on the coding strand, the complement: NOTCH1 is on the minus strand). VCF-style: chr9-136514569-C-T. GRCh37 (hg19) VCF-style: chr9-139409021-C-T.
Other names: c.2148G>A, p.Glu716= (LRG_1122t1); c.2148G>A (NM_017617.4).
Identifiers: ClinVar variation 514674 (VCV000514674.52), dbSNP rs376468003, ClinGen allele CA5341470.

ClinVar aggregate classification (germline): Likely benign. Review status: criteria provided, multiple submitters, no conflicts (2 of 4 stars). 9 submissions from 8 submitters: Likely benign (8). 1 of the submissions does not count toward it. Last evaluated 2026-01-05.

Conditions:
Aortic valve disease 1 (AOVD1). Identifiers: MedGen C3887892, MONDO:0024523, OMIM 109730.
NOTCH1-related disorder. Also called: NOTCH1-related condition; NOTCH1-related disorders.
Familial thoracic aortic aneurysm and aortic dissection (TAAD). Also called: Thoracic aortic aneurysms and dissections. Identifiers: Orphanet 91387, MedGen C4707243, MONDO:0019625.
Adams-Oliver syndrome 5 (AOS5). Identifiers: Orphanet 974, MedGen C4014970, MONDO:0014459, OMIM 616028.

Allele frequency attached by ClinVar (database versions not stated): gnomAD exomes 0.00011 and 0.00010; gnomAD 0.00014 and 0.00016; ExAC 0.00022; ESP Exome Variant Server 0.00008; TOPMed 0.00008.
gnomAD v4.1: 169 of 1,607,872 alleles (0.011%); highest among the groups gnomAD compares: Non-Finnish European, 0.011%; no homozygotes.

Submissions (9):

Labcorp Genetics (formerly Invitae), Labcorp
Classification: Likely benign for Adams-Oliver syndrome 5. Last evaluated: 2026-01-05. Review status: criteria provided, single submitter. Criteria: Invitae Variant Classification Sherloc (09022015). Collection method: clinical testing. Allele origin: germline.

CeGaT Center for Human Genetics Tuebingen
Classification: Likely benign. Last evaluated: 2025-02-01. Review status: criteria provided, single submitter. Criteria: CeGaT Center For Human Genetics Tuebingen Variant Classification Criteria Version 2. Collection method: clinical testing. Allele origin: germline. Affected: yes. Observed: 2 variant alleles.
Comment: NOTCH1: BP4

Blueprint Genetics
Classification: Likely benign. Last evaluated: 2024-10-02. Review status: criteria provided, single submitter. Criteria: ACMG Guidelines, 2015. Collection method: clinical testing. Allele origin: germline.

Genome-Nilou Lab
Classification: Likely benign for Adams-Oliver syndrome 5. Last evaluated: 2022-03-15. Review status: criteria provided, single submitter. Criteria: ACMG Guidelines, 2015. Collection method: clinical testing. Allele origin: germline. Affected: no.

Genome-Nilou Lab
Classification: Likely benign for Aortic valve disease 1. Last evaluated: 2022-03-15. Review status: criteria provided, single submitter. Criteria: ACMG Guidelines, 2015. Collection method: clinical testing. Allele origin: germline. Affected: no.

Ambry Genetics
Classification: Likely benign for Familial thoracic aortic aneurysm and aortic dissection. Last evaluated: 2021-06-29. Review status: criteria provided, single submitter. Criteria: Ambry Variant Classification Scheme 2023. Collection method: clinical testing. Allele origin: germline.

GeneDx
Classification: Likely benign. Last evaluated: 2020-06-29. Review status: criteria provided, single submitter. Criteria: GeneDx Variant Classification Process June 2021. Collection method: clinical testing. Allele origin: germline. Affected: yes.

CHEO Genetics Diagnostic Laboratory, Children's Hospital of Eastern Ontario
Classification: Likely benign for Familial thoracic aortic aneurysm and aortic dissection. Last evaluated: 2019-01-15. Review status: criteria provided, single submitter. Criteria: ACMG Guidelines, 2015. Collection method: clinical testing. Allele origin: germline.

PreventionGenetics, part of Exact Sciences
Classification: Likely benign for NOTCH1-related condition. Last evaluated: 2024-05-01. Review status: no assertion criteria provided. Collection method: clinical testing. Allele origin: germline. Not counted in ClinVar's aggregate classification.
Comment: This variant is classified as likely benign based on ACMG/AMP sequence variant interpretation guidelines (Richards et al. 2015 PMID: 25741868, with internal and published modifications).